The following is an entry in ClinVar:

ClinVar aggregate classification (germline): Uncertain significance (1 of 4 stars; one submission).

Conditions:
DNA ligase IV deficiency. Identifiers: Orphanet 99812, MedGen C1847827, MONDO:0011686, OMIM 606593.

Allele frequency attached by ClinVar (database versions not stated): gnomAD exomes below 0.00001.

Submission:

Labcorp Genetics (formerly Invitae), Labcorp
Classification: Uncertain significance for Lig4 syndrome. Last evaluated: 2018-05-23. Review status: criteria provided, single submitter. Criteria: Invitae Variant Classification Sherloc (09022015). Collection method: clinical testing. Allele origin: germline.
Comment: This sequence change replaces alanine with proline at codon 630 of the LIG4 protein (p.Ala630Pro). The alanine residue is weakly conserved and there is a small physicochemical difference between alanine and proline. This variant is not present in population databases (ExAC no frequency). This variant has not been reported in the literature in individuals with LIG4-related disease. Algorithms developed to predict the effect of missense changes on protein structure and function output the following: SIFT: "Tolerated"; PolyPhen-2: "Benign"; Align-GVGD: "Class C0". The proline amino acid residue is found in multiple mammalian species, suggesting that this missense change does not adversely affect protein function. These predictions have not been confirmed by published functional studies and their clinical significance is uncertain. In summary, the available evidence is currently insufficient to determine the role of this variant in disease. Therefore, it has been classified as a Variant of Uncertain Significance.

NM_206937.2(LIG4):c.1888G>C (p.Ala630Pro)

Gene: LIG4 (DNA ligase 4; minus strand). Cytogenetic location: 13q33.3.
Variant type: single nucleotide variant.
Coding change: c.1888G>C on transcript NM_206937.2 (MANE Select); coding-DNA position 1888, G replaced by C.
Protein change: p.Ala630Pro; replaces alanine 630 with proline.
Molecular consequence: missense variant.
Genome position (GRCh38, 1-based): chr13:108,209,381, C>G on the plus strand (G>C on the coding strand, the complement: LIG4 is on the minus strand). VCF-style: chr13-108209381-C-G. GRCh37 (hg19) VCF-style: chr13-108861729-C-G.
Other names: c.1888G>C, p.Ala630Pro (NM_001098268.2, NM_001352598.2, NM_001352599.2 and 6 more transcripts); c.1687G>C, p.Ala563Pro (NM_001330595.2); c.1924G>C, p.Ala642Pro (NM_001352604.2); short protein forms A630P, A563P, A642P.
Identifiers: ClinVar variation 580817 (VCV000580817.1), dbSNP rs1262844792, ClinGen allele CA388615542.
Genomic context (GRCh38, chr13:108,209,381, plus strand): 5'-TAAGGTTAGGTGCTTTTAAGTGCTCAATAATTCCAATAACTTTCTTCATCTTTGGGGCAG[C>G]TTTCCGCTTTTTTTCTTGTGGTTCATCATCACCACCTATATAAAGGTGTTTAGATGCGAG-3'
Protein context (NP_996820.1, residues 620-640): DDEPQEKKRK[Ala630Pro]APKMKKVIGI